The following is an entry in ClinVar:

ClinVar aggregate classification (germline): Uncertain significance (1 of 4 stars; one submission).

Conditions:
Cardiovascular phenotype. Identifiers: MedGen CN230736.

gnomAD v4.1: 1 of 1,586,194 alleles (0.000063%); highest among the groups gnomAD compares: Non-Finnish European, 0.000085%; no homozygotes.

Submission:

Ambry Genetics
Classification: Uncertain significance for Cardiovascular phenotype. Last evaluated: 2025-01-28. Review status: criteria provided, single submitter. Criteria: Ambry Variant Classification Scheme 2023. Collection method: clinical testing. Allele origin: germline.
Comment: The p.E2612G variant (also known as c.7835A>G), located in coding exon 31 of the AKAP9 gene, results from an A to G substitution at nucleotide position 7835. The glutamic acid at codon 2612 is replaced by glycine, an amino acid with similar properties. This amino acid position is conserved. In addition, this alteration is predicted to be tolerated by in silico analysis. Based on the available evidence, the clinical significance of this variant remains unclear.

NM_005751.5(AKAP9):c.7835A>G (p.Glu2612Gly)

Gene: AKAP9 (A-kinase anchoring protein 9; plus strand). Cytogenetic location: 7q21.2.
Variant type: single nucleotide variant.
Coding change: c.7835A>G on transcript NM_005751.5 (MANE Select); coding-DNA position 7835, A replaced by G.
Protein change: p.Glu2612Gly; replaces glutamic acid 2612 with glycine.
Molecular consequence: missense variant.
Genome position (GRCh38, 1-based): chr7:92,079,968, A>G. VCF-style: chr7-92079968-A-G. GRCh37 (hg19) VCF-style: chr7-91709282-A-G.
Other names: c.2480A>G, p.Glu827Gly (NM_001379277.1); c.7811A>G, p.Glu2604Gly (NM_147185.3); short protein forms E827G, E2604G, E2612G.
Identifiers: ClinVar variation 3849514 (VCV003849514.1).